The following is an entry in ClinVar:

ClinVar aggregate classification (germline): Uncertain significance (1 of 4 stars; one submission).

Conditions:
Intellectual developmental disorder, X-linked 90. Also called: DLG3-Related X-Linked Nonsyndromic Mental Retardation; Intellectual disability, X-linked 90. Identifiers: Orphanet 777, MedGen C3275443, MONDO:0010452, OMIM 300850.

Submission:

Equipe Genetique des Anomalies du Developpement, Université de Bourgogne
Classification: Uncertain significance for Intellectual developmental disorder, X-linked 90. Last evaluated: 2025-01-31. Review status: criteria provided, single submitter. Criteria: ACMG Guidelines, 2015. Collection method: curation. Allele origin: germline. Affected: yes.
Comment: Literature review. This variant is a missense which replaces a leucine with a phenylalanine at position 496. Hemizygous pathogenic variants in DLG3 are reported in an autosomal dominant intellectual disability (OMIM #300850). This variant is not present in the population database gnomAD (v4.1.0). It has been reported in the literature (PMID:33739554). In silico prediction scores are inconclusive. Based on these evidences, the variant was classified as of uncertain significance.

Literature cited by the submitters: PubMed 33739554.

NM_021120.4(DLG3):c.1486C>T (p.Leu496Phe)

Gene: DLG3 (discs large MAGUK scaffold protein 3; plus strand). Cytogenetic location: Xq13.1.
Variant type: single nucleotide variant.
Coding change: c.1486C>T on transcript NM_021120.4 (MANE Select); coding-DNA position 1486, C replaced by T.
Protein change: p.Leu496Phe; replaces leucine 496 with phenylalanine.
Molecular consequence: missense variant.
Genome position (GRCh38, 1-based): chrX:70,479,230, C>T. VCF-style: chrX-70479230-C-T. GRCh37 (hg19) VCF-style: chrX-69699080-C-T.
Other names: c.37C>T, p.Leu13Phe (NM_001166278.2); c.475C>T, p.Leu159Phe (NM_020730.3); short protein forms L13F, L159F, L496F.
Identifiers: ClinVar variation 3770148 (VCV003770148.1).